The following is an entry in ClinVar:

ClinVar aggregate classification (germline): Uncertain significance (1 of 4 stars; one submission).

Conditions:
Inborn genetic diseases. Identifiers: MedGen C0950123, MeSH D030342.

Allele frequency attached by ClinVar (database versions not stated): TOPMed below 0.00001; gnomAD 0.00001.
gnomAD v4.1: 3 of 1,612,810 alleles (0.00019%); highest among the groups gnomAD compares: Non-Finnish European, 0.00025%; no homozygotes.

Submission:

Ambry Genetics
Classification: Uncertain significance for Inborn genetic diseases. Last evaluated: 2022-11-30. Review status: criteria provided, single submitter. Criteria: Ambry Variant Classification Scheme 2023. Collection method: clinical testing. Allele origin: germline.
Comment: The p.Q1461K variant (also known as c.4381C>A), located in coding exon 31 of the LRRK2 gene, results from a C to A substitution at nucleotide position 4381. The glutamine at codon 1461 is replaced by lysine, an amino acid with similar properties. This amino acid position is conserved. In addition, the in silico prediction for this alteration is inconclusive. Since supporting evidence is limited at this time, the clinical significance of this alteration remains unclear.

NM_198578.4(LRRK2):c.4381C>A (p.Gln1461Lys)

Gene: LRRK2 (leucine rich repeat kinase 2; plus strand). Cytogenetic location: 12q12.
Variant type: single nucleotide variant.
Coding change: c.4381C>A on transcript NM_198578.4 (MANE Select); coding-DNA position 4381, C replaced by A.
Protein change: p.Gln1461Lys; replaces glutamine 1461 with lysine.
Molecular consequence: missense variant.
Genome position (GRCh38, 1-based): chr12:40,310,494, C>A. VCF-style: chr12-40310494-C-A. GRCh37 (hg19) VCF-style: chr12-40704296-C-A.
Other names: short protein forms Q1461K.
Identifiers: ClinVar variation 2489768 (VCV002489768.2), dbSNP rs898118986, ClinGen allele CA235358088.
Genomic context (GRCh38, chr12:40,310,494, plus strand): 5'-CGCGCTTCTTCTTCCCCTGTGATTCTCGTTGGCACACATTTGGATGTTTCTGATGAGAAG[C>A]AACGCAAAGCCTGCATGAGTAAAATCACCAAGGAACTCCTGAATAAGCGAGGGTTCCCTG-3'
Protein context (NP_940980.4, residues 1451-1471): GTHLDVSDEK[Gln1461Lys]RKACMSKITK